The following is an entry in ClinVar:

ClinVar aggregate classification (germline): Pathogenic (1 of 4 stars; one submission).

Conditions:
Cohen syndrome (COH1). Also called: Cutis verticis gyrata, retinitis pigmentosa, and sensorineural deafness; PEPPER SYNDROME. Identifiers: Orphanet 193, MedGen C0265223, MONDO:0008999, OMIM 216550.

Submission:

Labcorp Genetics (formerly Invitae), Labcorp
Classification: Pathogenic for Cohen syndrome. Last evaluated: 2022-11-25. Review status: criteria provided, single submitter. Criteria: Invitae Variant Classification Sherloc (09022015). Collection method: clinical testing. Allele origin: unknown.
Comment: For these reasons, this variant has been classified as Pathogenic. This variant has not been reported in the literature in individuals affected with VPS13B-related conditions. This variant is a gross deletion of the genomic region encompassing exon(s) 4-5 of the VPS13B gene. This deletion is out-of-frame, and is expected to create a premature termination codon and result in an absent or disrupted protein product. Loss-of-function variants in VPS13B are known to be pathogenic (PMID: 15141358, 16648375, 20461111).

Literature cited by the submitters: PubMed 15141358; PubMed 16648375; PubMed 20461111.

NC_000008.10:g.(?_100108520)_(100115368_?)del

Gene: VPS13B (vacuolar protein sorting 13 homolog B; plus strand). Cytogenetic location: 8q22.2.
Variant type: Deletion.
Identifiers: ClinVar variation 3245458 (VCV003245458.1).